The following is an entry in ClinVar:

ClinVar aggregate classification (germline): Likely benign. Review status: criteria provided, multiple submitters, no conflicts (2 of 4 stars). 2 submissions from 2 submitters: Likely benign (2). Last evaluated 2023-12-01.

Allele frequency attached by ClinVar (database versions not stated): gnomAD 0.00005; TOPMed 0.00005; gnomAD exomes 0.00006 and 0.00008; ExAC 0.00007.
gnomAD v4.1: 104 of 1,613,628 alleles (0.0064%); highest among the groups gnomAD compares: Middle Eastern, 0.016%; no homozygotes.

Submissions (2):

CeGaT Center for Human Genetics Tuebingen
Classification: Likely benign. Last evaluated: 2023-12-01. Review status: criteria provided, single submitter. Criteria: CeGaT Center For Human Genetics Tuebingen Variant Classification Criteria Version 2. Collection method: clinical testing. Allele origin: germline. Affected: yes. Observed: 1 variant allele.
Comment: DRD3: BP4, BP7

Labcorp Genetics (formerly Invitae), Labcorp
Classification: Likely benign. Last evaluated: 2018-06-14. Review status: criteria provided, single submitter. Criteria: Invitae Variant Classification Sherloc (09022015). Collection method: clinical testing. Allele origin: germline.

NM_000796.6(DRD3):c.405C>T (p.Pro135=)

Gene: DRD3 (dopamine receptor D3; minus strand). Cytogenetic location: 3q13.31.
Variant type: single nucleotide variant.
Coding change: c.405C>T on transcript NM_000796.6 (MANE Select); coding-DNA position 405, C replaced by T.
Protein change: p.Pro135=; no amino-acid change (proline 135 retained).
Molecular consequence: synonymous variant.
Genome position (GRCh38, 1-based): chr3:114,147,536, G>A on the plus strand (C>T on the coding strand, the complement: DRD3 is on the minus strand). VCF-style: chr3-114147536-G-A. GRCh37 (hg19) VCF-style: chr3-113866383-G-A.
Other names: c.405C>T, p.Pro135= (NM_001282563.2, NM_001290809.1, NM_033663.6).
Identifiers: ClinVar variation 748261 (VCV000748261.25), dbSNP rs199529083, ClinGen allele CA2550605.